The following is an entry in ClinVar:

NM_002880.4(RAF1):c.1912A>T (p.Thr638Ser)

Gene: RAF1 (Raf-1 proto-oncogene, serine/threonine kinase; minus strand). Cytogenetic location: 3p25.2.
Variant type: single nucleotide variant.
Coding change: c.1912A>T on transcript NM_002880.4 (MANE Select); coding-DNA position 1912, A replaced by T.
Protein change: p.Thr638Ser; replaces threonine 638 with serine.
Molecular consequence: missense variant. On other transcripts: non-coding transcript variant (3).
Genome position (GRCh38, 1-based): chr3:12,584,549, T>A on the plus strand (A>T on the coding strand, the complement: RAF1 is on the minus strand). VCF-style: chr3-12584549-T-A. GRCh37 (hg19) VCF-style: chr3-12626048-T-A.
Other names: c.1972A>T, p.Thr658Ser (NM_001354689.3); c.1912A>T, p.Thr638Ser (NM_001354690.3); c.1669A>T, p.Thr557Ser (NM_001354691.3, NM_001354692.3); c.1813A>T, p.Thr605Ser (NM_001354693.3); c.1729A>T, p.Thr577Ser (NM_001354694.3); c.1570A>T, p.Thr524Ser (NM_001354695.3); short protein forms T658S, T577S, T605S, T638S, T524S, T557S.
Identifiers: ClinVar variation 1782523 (VCV001782523.2), dbSNP rs2125315981, ClinGen allele CA351495566.

ClinVar aggregate classification (germline): Uncertain significance (1 of 4 stars; one submission).

Conditions:
Cardiovascular phenotype. Identifiers: MedGen CN230736.

Submission:

Ambry Genetics
Classification: Uncertain significance for Cardiovascular phenotype. Last evaluated: 2021-01-28. Review status: criteria provided, single submitter. Criteria: Ambry Variant Classification Scheme 2023. Collection method: clinical testing. Allele origin: germline.
Comment: The p.T638S variant (also known as c.1912A>T), located in coding exon 16 of the RAF1 gene, results from an A to T substitution at nucleotide position 1912. The threonine at codon 638 is replaced by serine, an amino acid with similar properties. This amino acid position is highly conserved in available vertebrate species. In addition, the in silico prediction for this alteration is inconclusive. Since supporting evidence is limited at this time, the clinical significance of this alteration remains unclear.